The following is an entry in ClinVar:

ClinVar aggregate classification (germline): Uncertain significance (1 of 4 stars; one submission).

Conditions:
Pitt-Hopkins syndrome (PTHS). Also called: ENCEPHALOPATHY, SEVERE EPILEPTIC, WITH AUTONOMIC DYSFUNCTION; MENTAL RETARDATION, SYNDROMAL, WITH INTERMITTENT HYPERVENTILATION. Identifiers: Orphanet 2896, MedGen C1970431, MONDO:0012589, OMIM 610954.

Submission:

Labcorp Genetics (formerly Invitae), Labcorp
Classification: Uncertain significance for Pitt-Hopkins syndrome. Last evaluated: 2019-06-06. Review status: criteria provided, single submitter. Criteria: Invitae Variant Classification Sherloc (09022015). Collection method: clinical testing. Allele origin: germline.
Comment: This sequence change replaces methionine with leucine at codon 241 of the TCF4 protein (p.Met241Leu). The methionine residue is moderately conserved and there is a small physicochemical difference between methionine and leucine. This variant is not present in population databases (ExAC no frequency). This variant has not been reported in the literature in individuals with TCF4-related conditions. Algorithms developed to predict the effect of missense changes on protein structure and function (SIFT, PolyPhen-2, Align-GVGD) all suggest that this variant is likely to be tolerated, but these predictions have not been confirmed by published functional studies and their clinical significance is uncertain. In summary, the available evidence is currently insufficient to determine the role of this variant in disease. Therefore, it has been classified as a Variant of Uncertain Significance.

NM_001083962.2(TCF4):c.721A>T (p.Met241Leu)

Gene: TCF4 (transcription factor 4; minus strand). Cytogenetic location: 18q21.2.
Variant type: single nucleotide variant.
Coding change: c.721A>T on transcript NM_001083962.2 (MANE Select); coding-DNA position 721, A replaced by T.
Protein change: p.Met241Leu; replaces methionine 241 with leucine.
Molecular consequence: missense variant.
Genome position (GRCh38, 1-based): chr18:55,275,687, T>A on the plus strand (A>T on the coding strand, the complement: TCF4 is on the minus strand). VCF-style: chr18-55275687-T-A. GRCh37 (hg19) VCF-style: chr18-52942918-T-A.
Other names: c.1027A>T, p.Met343Leu (NM_001243226.3); c.649A>T, p.Met217Leu (NM_001243227.2, NM_001306207.1, NM_001369586.1 and 9 more transcripts); c.739A>T, p.Met247Leu (NM_001243228.2); c.715A>T, p.Met239Leu (NM_001243230.2); c.595A>T, p.Met199Leu (NM_001243231.2, NM_001348211.2); c.508A>T, p.Met170Leu (NM_001243232.1, NM_001306208.1); c.331A>T, p.Met111Leu (NM_001243233.2, NM_001330605.3, NM_001348212.2 and 1 more transcripts); c.241A>T, p.Met81Leu (NM_001243234.2, NM_001243235.2, NM_001243236.2 and 2 more transcripts); and 4 more; short protein forms M111L, M247L, M25L, M343L, M239L, M170L, M199L, M216L.
Identifiers: ClinVar variation 935001 (VCV000935001.9), dbSNP rs2061374229, ClinGen allele CA402701546.